The following is an entry in ClinVar:

NM_001267550.2(TTN):c.42783A>G (p.Lys14261=)

Gene: TTN (titin; minus strand). Cytogenetic location: 2q31.2.
Variant type: single nucleotide variant.
Coding change: c.42783A>G on transcript NM_001267550.2 (MANE Select); coding-DNA position 42783, A replaced by G.
Protein change: p.Lys14261=; no amino-acid change (lysine 14261 retained).
Molecular consequence: synonymous variant.
Genome position (GRCh38, 1-based): chr2:178,633,576, T>C on the plus strand (A>G on the coding strand, the complement: TTN is on the minus strand). VCF-style: chr2-178633576-T-C. GRCh37 (hg19) VCF-style: chr2-179498303-T-C.
Other names: p.K11693K:AAA>AAG; p.Lys11693=; c.16164A>G, p.Lys5388= (NM_133437.4); c.37860A>G, p.Lys12620= (NM_001256850.1); c.15588A>G, p.Lys5196= (NM_003319.4); c.35079A>G, p.Lys11693= (NM_133378.4); c.15963A>G, p.Lys5321= (NM_133432.3).
Identifiers: ClinVar variation 46959 (VCV000046959.35), dbSNP rs16866425, ClinGen allele CA283224.

ClinVar aggregate classification (germline): Benign. Review status: criteria provided, multiple submitters, no conflicts (2 of 4 stars). 22 submissions from 15 submitters: Benign (18). 4 of the submissions do not count toward it. Last evaluated 2026-02-04.

Conditions:
Cardiovascular phenotype. Identifiers: MedGen CN230736.
Dilated cardiomyopathy 1G (CMD1G). Identifiers: Orphanet 154, MedGen C1858763, MONDO:0011400, OMIM 604145.
Autosomal recessive limb-girdle muscular dystrophy type 2J (LGMDR10). Also called: MUSCULAR DYSTROPHY, LIMB-GIRDLE, AUTOSOMAL RECESSIVE 10; Limb-girdle muscular dystrophy, type 2J. Identifiers: Orphanet 140922, MedGen C1837342, MONDO:0012127, OMIM 608807.
Early-onset myopathy with fatal cardiomyopathy (CMYO5). Also called: CONGENITAL MYOPATHY 5 WITH CARDIOMYOPATHY; Salih Myopathy. Identifiers: Orphanet 289377, MedGen C2673677, MONDO:0012714, OMIM 611705. Disease mechanism: loss of function.
Myopathy, myofibrillar, 9, with early respiratory failure (MFM9). Also called: Myopathy, distal, with early respiratory failure, autosomal dominant; Hereditary myopathy with early respiratory failure; MYOPATHY, PROXIMAL, WITH EARLY RESPIRATORY MUSCLE INVOLVEMENT; EDSTROM MYOPATHY. Identifiers: Orphanet 178464, Orphanet 34521, MedGen C1863599, MONDO:0011362, OMIM 603689.
Tibial muscular dystrophy (TMD). Also called: Udd Distal Myopathy – Tibial Muscular Dystrophy; Tibial muscular dystrophy, tardive; UDD MYOPATHY. Identifiers: Orphanet 609, MedGen C1838244, MONDO:0010870, OMIM 600334.

Allele frequency attached by ClinVar (database versions not stated): 1000 Genomes Project 30x 0.11056; ESP Exome Variant Server 0.05901; gnomAD 0.07375 and 0.07162; gnomAD exomes 0.07588 and 0.04042; 1000 Genomes Project 0.10942; ExAC 0.07193; TOPMed 0.07978.
gnomAD v4.1: 70,639 of 1,613,282 alleles (4.4%); highest among the groups gnomAD compares: Admixed American, 18%; 3,691 homozygotes.

Submissions (22):

Labcorp Genetics (formerly Invitae), Labcorp
Classification: Benign for Dilated cardiomyopathy 1G; Autosomal recessive limb-girdle muscular dystrophy type 2J. Last evaluated: 2026-02-04. Review status: criteria provided, single submitter. Criteria: Invitae Variant Classification Sherloc (09022015). Collection method: clinical testing. Allele origin: germline.

Molecular Diagnostic Laboratory for Inherited Cardiovascular Disease, Montreal Heart Institute
Classification: Benign. Last evaluated: 2025-04-09. Review status: criteria provided, single submitter. Criteria: ACMG Guidelines, 2015. Collection method: clinical testing. Allele origin: germline. Affected: no.

Genome-Nilou Lab
Classification: Benign for Autosomal recessive limb-girdle muscular dystrophy type 2J. Last evaluated: 2021-09-10. Review status: criteria provided, single submitter. Criteria: ACMG Guidelines, 2015. Collection method: clinical testing. Allele origin: germline. Affected: no.

Genome-Nilou Lab
Classification: Benign for Myopathy, myofibrillar, 9, with early respiratory failure. Last evaluated: 2021-09-10. Review status: criteria provided, single submitter. Criteria: ACMG Guidelines, 2015. Collection method: clinical testing. Allele origin: germline. Affected: no.

Genome-Nilou Lab
Classification: Benign for Early-onset myopathy with fatal cardiomyopathy. Last evaluated: 2021-09-10. Review status: criteria provided, single submitter. Criteria: ACMG Guidelines, 2015. Collection method: clinical testing. Allele origin: germline. Affected: no.

Genome-Nilou Lab
Classification: Benign for Tibial muscular dystrophy. Last evaluated: 2021-09-10. Review status: criteria provided, single submitter. Criteria: ACMG Guidelines, 2015. Collection method: clinical testing. Allele origin: germline. Affected: no.

Women's Health and Genetics/Laboratory Corporation of America, LabCorp
Classification: Benign. Last evaluated: 2019-09-16. Review status: criteria provided, single submitter. Criteria: LabCorp Variant Classification Summary - May 2015. Collection method: clinical testing. Allele origin: germline.
Comment: Variant summary: TTN c.35079A>G alters a non-conserved nucleotide resulting in a synonymous change. 4/4 computational tools predict no significant impact on normal splicing. However, these predictions have yet to be confirmed by functional studies. The variant allele was found at a frequency of 0.076 in 248006 control chromosomes in the gnomAD database, including 1381 homozygotes. The observed variant frequency is approximately 121 fold of the estimated maximal expected allele frequency for a pathogenic variant in TTN causing Cardiomyopathy phenotype (0.00063), strongly suggesting that the variant is benign. To our knowledge, no occurrence of c.35079A>G in individuals affected with Cardiomyopathy and no experimental evidence demonstrating its impact on protein function have been reported. Co-occurrences with a pathogenic variant has been reported (TTR c.424G>A, p.Val142Ile, internal database), providing supporting evidence for a benign role. One clinical diagnostic laboratory has submitted clinical-significance assessments for this variant to ClinVar after 2014 without evidence for independent evaluation and classified the variant as likely benign. Based on the evidence outlined above, the variant was classified as benign.

Illumina Laboratory Services, Illumina
Classification: Benign for Early-onset myopathy with fatal cardiomyopathy. Last evaluated: 2018-01-13. Review status: criteria provided, single submitter. Criteria: ICSL Variant Classification Criteria 13 December 2019. Collection method: clinical testing. Allele origin: germline.
Comment: This variant was observed in the ICSL laboratory as part of a predisposition screen in an ostensibly healthy population. It had not been previously curated by ICSL or reported in the Human Gene Mutation Database (HGMD: prior to June 1st, 2018), and was therefore a candidate for classification through an automated scoring system. Utilizing variant allele frequency, disease prevalence and penetrance estimates, and inheritance mode, an automated score was calculated to assess if this variant is too frequent to cause the disease. Based on the score and internal cut-off values, a variant classified as benign is not then subjected to further curation. The score for this variant resulted in a classification of benign for this disease.

Illumina Laboratory Services, Illumina
Classification: Benign for Autosomal recessive limb-girdle muscular dystrophy type 2J. Last evaluated: 2018-01-13. Review status: criteria provided, single submitter. Criteria: ICSL Variant Classification Criteria 13 December 2019. Collection method: clinical testing. Allele origin: germline.
Comment: the same text as in the submission from Illumina Laboratory Services, Illumina above.

Illumina Laboratory Services, Illumina
Classification: Benign for Tibial muscular dystrophy. Last evaluated: 2018-01-13. Review status: criteria provided, single submitter. Criteria: ICSL Variant Classification Criteria 13 December 2019. Collection method: clinical testing. Allele origin: germline.
Comment: the same text as in the submission from Illumina Laboratory Services, Illumina above.

Illumina Laboratory Services, Illumina
Classification: Benign for Myopathy, myofibrillar, 9, with early respiratory failure. Last evaluated: 2018-01-13. Review status: criteria provided, single submitter. Criteria: ICSL Variant Classification Criteria 13 December 2019. Collection method: clinical testing. Allele origin: germline.
Comment: the same text as in the submission from Illumina Laboratory Services, Illumina above.

Illumina Laboratory Services, Illumina
Classification: Benign for Dilated cardiomyopathy 1G. Last evaluated: 2018-01-13. Review status: criteria provided, single submitter. Criteria: ICSL Variant Classification Criteria 13 December 2019. Collection method: clinical testing. Allele origin: germline.
Comment: the same text as in the submission from Illumina Laboratory Services, Illumina above.

Mayo Clinic Laboratories, Mayo Clinic
Classification: Benign. Last evaluated: 2017-08-24. Review status: criteria provided, single submitter. Criteria: ACMG Guidelines, 2015. Collection method: clinical testing. Allele origin: germline. Observed: 230 variant alleles.

Ambry Genetics
Classification: Benign for Cardiovascular phenotype. Last evaluated: 2013-01-16. Review status: criteria provided, single submitter. Criteria: Ambry Autosomal Dominant and X-Linked criteria (10/2015). Collection method: clinical testing. Allele origin: germline. Observed: 1 variant allele.

GeneDx
Classification: Benign. Last evaluated: 2012-10-26. Review status: criteria provided, single submitter. Criteria: GeneDx Variant Classification (06012015). Collection method: clinical testing. Allele origin: germline. Affected: yes.
Comment: This variant is considered likely benign or benign based on one or more of the following criteria: it is a conservative change, it occurs at a poorly conserved position in the protein, it is predicted to be benign by multiple in silico algorithms, and/or has population frequency not consistent with disease.

Laboratory for Molecular Medicine, Mass General Brigham Personalized Medicine
Classification: Benign. Last evaluated: 2011-09-27. Review status: criteria provided, single submitter. Criteria: LMM Criteria. Collection method: clinical testing. Allele origin: germline. Observed: 203 variant alleles.

Breakthrough Genomics
Classification: Benign. Review status: criteria provided, single submitter. Criteria: ACMG Guidelines, 2015. Collection method: not provided. Allele origin: germline. Inheritance: Autosomal recessive inheritance. Affected: yes.

PreventionGenetics, part of Exact Sciences
Classification: Benign. Review status: criteria provided, single submitter. Criteria: ACMG Guidelines, 2015. Collection method: clinical testing. Allele origin: germline.

Clinical Genetics DNA and cytogenetics Diagnostics Lab, Erasmus MC, Erasmus Medical Center
Classification: Benign. Review status: no assertion criteria provided. Collection method: clinical testing. Allele origin: germline. Affected: yes. Study: VKGL Data-share Consensus. Not counted in ClinVar's aggregate classification.

Clinical Genetics, Academic Medical Center
Classification: Benign. Review status: no assertion criteria provided. Collection method: clinical testing. Allele origin: germline. Affected: yes. Study: VKGL Data-share Consensus. Not counted in ClinVar's aggregate classification.

Genetic Services Laboratory, University of Chicago
Classification: Likely benign for AllHighlyPenetrant. Review status: no assertion criteria provided. Collection method: clinical testing. Allele origin: germline. Not counted in ClinVar's aggregate classification.
Comment: Likely benign based on allele frequency in 1000 Genomes Project or ESP global frequency and its presence in a patient with a rare or unrelated disease phenotype. NOT Sanger confirmed.

Joint Genome Diagnostic Labs from Nijmegen and Maastricht, Radboudumc and MUMC+
Classification: Benign. Review status: no assertion criteria provided. Collection method: clinical testing. Allele origin: germline. Affected: yes. Study: VKGL Data-share Consensus. Not counted in ClinVar's aggregate classification.